The following is an entry in ClinVar:

NM_018149.7(SMG8):c.285G>A (p.Glu95=)

Gene: SMG8 (SMG8 nonsense mediated mRNA decay factor; plus strand). Cytogenetic location: 17q22.
Variant type: single nucleotide variant.
Coding change: c.285G>A on transcript NM_018149.7 (MANE Select); coding-DNA position 285, G replaced by A.
Protein change: p.Glu95=; no amino-acid change (glutamic acid 95 retained).
Molecular consequence: synonymous variant.
Genome position (GRCh38, 1-based): chr17:59,210,336, G>A. VCF-style: chr17-59210336-G-A. GRCh37 (hg19) VCF-style: chr17-57287697-G-A.
Identifiers: ClinVar variation 2672701 (VCV002672701.23), dbSNP rs755948975, ClinGen allele CA8679430.

ClinVar aggregate classification (germline): Likely benign (1 of 4 stars; one submission).

Allele frequency attached by ClinVar (database versions not stated): ExAC 0.00002; gnomAD exomes 0.00002; TOPMed 0.00002; gnomAD 0.00003.
gnomAD v4.1: 28 of 1,612,492 alleles (0.0017%); highest among the groups gnomAD compares: Non-Finnish European, 0.0022%; no homozygotes.

Submission:

CeGaT Center for Human Genetics Tuebingen
Classification: Likely benign. Last evaluated: 2023-11-01. Review status: criteria provided, single submitter. Criteria: CeGaT Center For Human Genetics Tuebingen Variant Classification Criteria Version 2. Collection method: clinical testing. Allele origin: germline. Affected: yes. Observed: 1 variant allele.
Comment: SMG8: BP4, BP7